The following is an entry in ClinVar:

NM_001009999.3(KDM1A):c.2606del (p.Pro869fs)

Gene: KDM1A (lysine demethylase 1A; plus strand). Cytogenetic location: 1p36.12.
Variant type: Deletion.
Coding change: c.2606del on transcript NM_001009999.3 (MANE Select); coding-DNA position 2606, one base deleted (C; older notation c.2606delC).
Protein change: p.Pro869fs; shifts the reading frame from proline 869.
Molecular consequence: frameshift variant. On other transcripts: 3 prime UTR variant (1).
Genome position (GRCh38, 1-based): chr1:23,083,339, C deleted; the last of 2 consecutive C bases (chr1:23,083,338-23,083,339); deleting either gives the same sequence. VCF-style (leftmost placement, unchanged base first): chr1-23083337-TC-T. GRCh37 (hg19) VCF-style: chr1-23409830-TC-T.
Other names: c.2552del, p.Pro851fs (NM_001363654.2); c.2612del, p.Pro871fs (NM_001410762.1); c.*854del (NM_001410763.1); c.2534del, p.Pro845fs (NM_015013.4); short protein forms P869fs, P845fs, P851fs, P871fs.
Identifiers: ClinVar variation 3657889 (VCV003657889.2).

ClinVar aggregate classification (germline): Uncertain significance (1 of 4 stars; one submission).

Submission:

Labcorp Genetics (formerly Invitae), Labcorp
Classification: Uncertain significance. Last evaluated: 2024-06-26. Review status: criteria provided, single submitter. Criteria: Invitae Variant Classification Sherloc (09022015). Collection method: clinical testing. Allele origin: germline.
Comment: This sequence change results in a frameshift in the KDM1A gene (p.Pro869Leufs*14). While this is not anticipated to result in nonsense mediated decay, it is expected to disrupt the last 8 amino acid(s) of the KDM1A protein and extend the protein by 5 additional amino acid residues. This variant is not present in population databases (gnomAD no frequency). This variant has not been reported in the literature in individuals affected with KDM1A-related conditions. In summary, the available evidence is currently insufficient to determine the role of this variant in disease. Therefore, it has been classified as a Variant of Uncertain Significance.